The following is an entry in ClinVar:

ClinVar aggregate classification (germline): Uncertain significance (1 of 4 stars; one submission).

Conditions:
Mucopolysaccharidosis, MPS-III-C (MPS3C). Also called: MPS IIIC (Sanfilippo Syndrome Type C); MUCOPOLYSACCHARIDOSIS, TYPE IIIC; Mucopolysaccharidosis type IIIC (Sanfilippo C); mucopolysaccharidosis type 3C; SANFILIPPO SYNDROME C; MPS III C. Identifiers: Orphanet 581, Orphanet 79271, MedGen C0086649, MONDO:0009657, OMIM 252930.
Retinitis pigmentosa 73 (RP73). Identifiers: Orphanet 791, MedGen C4225287, MONDO:0014687, OMIM 616544.

Allele frequency attached by ClinVar (database versions not stated): gnomAD exomes below 0.00001.
gnomAD v4.1: 1 of 1,613,904 alleles (0.000062%); highest among the groups gnomAD compares: Non-Finnish European, 0.000085%; no homozygotes.

Submission:

Labcorp Genetics (formerly Invitae), Labcorp
Classification: Uncertain significance for Retinitis pigmentosa 73; Mucopolysaccharidosis, MPS-III-C. Last evaluated: 2022-07-09. Review status: criteria provided, single submitter. Criteria: Invitae Variant Classification Sherloc (09022015). Collection method: clinical testing. Allele origin: germline.
Comment: In summary, the available evidence is currently insufficient to determine the role of this variant in disease. Therefore, it has been classified as a Variant of Uncertain Significance. This variant has not been reported in the literature in individuals affected with HGSNAT-related conditions. Algorithms developed to predict the effect of missense changes on protein structure and function are either unavailable or do not agree on the potential impact of this missense change (SIFT: "Deleterious"; PolyPhen-2: "Probably Damaging"; Align-GVGD: "Class C0"). ClinVar contains an entry for this variant (Variation ID: 965502). This variant is not present in population databases (gnomAD no frequency). This sequence change replaces leucine, which is neutral and non-polar, with valine, which is neutral and non-polar, at codon 474 of the HGSNAT protein (p.Leu474Val).

NM_152419.3(HGSNAT):c.1420C>G (p.Leu474Val)

Gene: HGSNAT (heparan-alpha-glucosaminide N-acetyltransferase; plus strand). Cytogenetic location: 8p11.21.
Variant type: single nucleotide variant.
Coding change: c.1420C>G on transcript NM_152419.3 (MANE Select); coding-DNA position 1420, C replaced by G.
Protein change: p.Leu474Val; replaces leucine 474 with valine.
Molecular consequence: missense variant.
Genome position (GRCh38, 1-based): chr8:43,193,799, C>G. VCF-style: chr8-43193799-C-G. GRCh37 (hg19) VCF-style: chr8-43048942-C-G.
Other names: c.1420C>G, p.Leu474Val (NM_001363227.2); c.1228C>G, p.Leu410Val (NM_001363228.2); c.556C>G, p.Leu186Val (NM_001363229.2); short protein forms L410V, L186V, L474V.
Identifiers: ClinVar variation 965502 (VCV000965502.7), dbSNP rs1804620596, ClinGen allele CA371119902.
Genomic context (GRCh38, chr8:43,193,799, plus strand): 5'-CTGCTTCTGTTTGTTAAGGTACTTTACCACACCGAGGTGGCCTATGACCCCGAGGGCATC[C>G]TGGGCACCATCAACTCCATCGTGATGGCCTTTTTAGGAGTTCAGGTATTTGTTCATTTCA-3'
Protein context (NP_689632.2, residues 464-484): TEVAYDPEGI[Leu474Val]GTINSIVMAF